The following is an entry in ClinVar:

NM_152703.5(SAMD9L):c.1476G>A (p.Gln492=)

Gene: SAMD9L (sterile alpha motif domain containing 9 like; minus strand). Cytogenetic location: 7q21.2.
Variant type: single nucleotide variant.
Coding change: c.1476G>A on transcript NM_152703.5 (MANE Select); coding-DNA position 1476, G replaced by A.
Protein change: p.Gln492=; no amino-acid change (glutamine 492 retained).
Molecular consequence: synonymous variant.
Genome position (GRCh38, 1-based): chr7:93,134,496, C>T on the plus strand (G>A on the coding strand, the complement: SAMD9L is on the minus strand). VCF-style: chr7-93134496-C-T. GRCh37 (hg19) VCF-style: chr7-92763809-C-T.
Other names: c.1476G>A, p.Gln492= (NM_001303496.3, NM_001303497.3, NM_001303498.3 and 5 more transcripts).
Identifiers: ClinVar variation 3054732 (VCV003054732.2), dbSNP rs2535427911, ClinGen allele CA456629422.

ClinVar aggregate classification (germline): Likely benign (0 of 4 stars; one submission).

Conditions:
SAMD9L-related disorder. Also called: SAMD9L-related disorders; SAMD9L-related condition.

Submission:

PreventionGenetics, part of Exact Sciences
Classification: Likely benign for SAMD9L-related condition. Last evaluated: 2022-12-14. Review status: no assertion criteria provided. Collection method: clinical testing. Allele origin: germline.
Comment: This variant is classified as likely benign based on ACMG/AMP sequence variant interpretation guidelines (Richards et al. 2015 PMID: 25741868, with internal and published modifications).